The following is an entry in ClinVar:

ClinVar aggregate classification (germline): Conflicting classifications of pathogenicity. Review status: criteria provided, conflicting classifications (1 of 4 stars). 2 submissions from 2 submitters: Uncertain significance (1); Likely benign (1). Last evaluated 2024-11-11.

Conditions:
Arrhythmogenic right ventricular dysplasia 13. Also called: ARRHYTHMOGENIC RIGHT VENTRICULAR CARDIOMYOPATHY 13; Arrhythmogenic right ventricular dysplasia, familial, 13. Identifiers: MedGen C3810138, MONDO:0000908, OMIM 615616.

Allele frequency attached by ClinVar (database versions not stated): gnomAD 0.00001 and 0.00002; TOPMed 0.00001; ExAC 0.00003; gnomAD exomes 0.00004.
gnomAD v4.1: 73 of 1,614,048 alleles (0.0045%); highest among the groups gnomAD compares: Non-Finnish European, 0.0054%; no homozygotes.

Submissions (2):

Blueprint Genetics
Classification: Likely benign. Last evaluated: 2024-11-11. Review status: criteria provided, single submitter. Criteria: ACMG Guidelines, 2015. Collection method: clinical testing. Allele origin: germline.

Labcorp Genetics (formerly Invitae), Labcorp
Classification: Uncertain significance for Arrhythmogenic right ventricular dysplasia 13. Last evaluated: 2024-06-26. Review status: criteria provided, single submitter. Criteria: Invitae Variant Classification Sherloc (09022015). Collection method: clinical testing. Allele origin: germline.
Comment: This sequence change replaces arginine, which is basic and polar, with glutamine, which is neutral and polar, at codon 842 of the CTNNA3 protein (p.Arg842Gln). The frequency data for this variant in the population databases is considered unreliable, as metrics indicate poor data quality at this position in the gnomAD database. This missense change has been observed in individual(s) with dilated cardiomyopathy (PMID: 28416588). ClinVar contains an entry for this variant (Variation ID: 861261). Experimental studies and prediction algorithms are not available or were not evaluated, and the functional significance of this variant is currently unknown. In summary, the available evidence is currently insufficient to determine the role of this variant in disease. Therefore, it has been classified as a Variant of Uncertain Significance.

Literature cited by the submitters: PubMed 28416588 (cited by Labcorp Genetics (formerly Invitae), Labcorp).

NM_013266.4(CTNNA3):c.2525G>A (p.Arg842Gln)

Gene: CTNNA3 (catenin alpha 3; minus strand). Cytogenetic location: 10q21.3.
Variant type: single nucleotide variant.
Coding change: c.2525G>A on transcript NM_013266.4 (MANE Select); coding-DNA position 2525, G replaced by A.
Protein change: p.Arg842Gln; replaces arginine 842 with glutamine.
Molecular consequence: missense variant.
Genome position (GRCh38, 1-based): chr10:65,920,493, C>T on the plus strand (G>A on the coding strand, the complement: CTNNA3 is on the minus strand). VCF-style: chr10-65920493-C-T. GRCh37 (hg19) VCF-style: chr10-67680251-C-T.
Other names: c.2525G>A, p.Arg842Gln (NM_001127384.3); short protein forms R842Q.
Identifiers: ClinVar variation 861261 (VCV000861261.10), dbSNP rs780903815, ClinGen allele CA5519560.